The following is an entry in ClinVar:

ClinVar aggregate classification (germline): Conflicting classifications of pathogenicity. Review status: criteria provided, conflicting classifications (1 of 4 stars). 6 submissions from 6 submitters: Uncertain significance (2); Likely benign (2). 2 of the submissions do not count toward it. Last evaluated 2026-01-21.

Conditions:
Left ventricular noncompaction 8 (LVNC8). Identifiers: Orphanet 154, Orphanet 54260, MedGen C3809288, MONDO:0014152, OMIM 615373.

Allele frequency attached by ClinVar (database versions not stated): ExAC 0.00017; gnomAD exomes 0.00020 and 0.00027; gnomAD 0.00035; ESP Exome Variant Server 0.00039; TOPMed 0.00048.
gnomAD v4.1: 451 of 1,607,712 alleles (0.028%); highest among the groups gnomAD compares: Admixed American, 0.055%; no homozygotes.

Submissions (6):

Labcorp Genetics (formerly Invitae), Labcorp
Classification: Uncertain significance for Left ventricular noncompaction 8. Last evaluated: 2026-01-21. Review status: criteria provided, single submitter. Criteria: Invitae Variant Classification Sherloc (09022015). Collection method: clinical testing. Allele origin: germline.
Comment: This sequence change replaces alanine, which is neutral and non-polar, with serine, which is neutral and polar, at codon 365 of the PRDM16 protein (p.Ala365Ser). This variant is present in population databases (rs200562747, gnomAD 0.03%), and has an allele count higher than expected for a pathogenic variant. This variant has not been reported in the literature in individuals affected with PRDM16-related conditions. ClinVar contains an entry for this variant (Variation ID: 229156). An algorithm developed to predict the effect of missense changes on protein structure and function (PolyPhen-2) suggests that this variant is likely to be disruptive. In summary, the available evidence is currently insufficient to determine the role of this variant in disease. Therefore, it has been classified as a Variant of Uncertain Significance.

Blueprint Genetics
Classification: Likely benign. Last evaluated: 2024-10-01. Review status: criteria provided, single submitter. Criteria: ACMG Guidelines, 2015. Collection method: clinical testing. Allele origin: germline.

GeneDx
Classification: Likely benign. Last evaluated: 2018-08-08. Review status: criteria provided, single submitter. Criteria: GeneDx Variant Classification Process June 2021. Collection method: clinical testing. Allele origin: germline. Affected: yes.

Laboratory for Molecular Medicine, Mass General Brigham Personalized Medicine
Classification: Uncertain significance. Last evaluated: 2015-05-28. Review status: criteria provided, single submitter. Criteria: LMM Criteria. Collection method: clinical testing. Allele origin: germline. Observed: 1 variant allele.
Comment: The p.Ala365Ser variant in PRDM16 has not been previously reported in individual s with cardiomyopathy but has been indentified in 17/63188 European chromosomes by the Exome Aggregation Consortium (ExAC; dbSNP rs200562747). Computational prediction tools and conservation analysis suggest that the variant may impact the protein, though this information is not predicti ve enough to determine pathogenicity. In summary, the clinical significance of t he p.Ala365Ser variant is uncertain.

Clinical Genetics, Academic Medical Center
Classification: Uncertain significance. Review status: no assertion criteria provided. Collection method: clinical testing. Allele origin: germline. Affected: yes. Study: VKGL Data-share Consensus. Not counted in ClinVar's aggregate classification.

Diagnostic Laboratory, Department of Genetics, University Medical Center Groningen
Classification: Uncertain significance. Review status: no assertion criteria provided. Collection method: clinical testing. Allele origin: germline. Affected: yes. Study: VKGL Data-share Consensus. Not counted in ClinVar's aggregate classification.

NM_022114.4(PRDM16):c.1093G>T (p.Ala365Ser)

Gene: PRDM16 (PR/SET domain 16; plus strand). Cytogenetic location: 1p36.32.
Variant type: single nucleotide variant.
Coding change: c.1093G>T on transcript NM_022114.4 (MANE Select); coding-DNA position 1093, G replaced by T.
Protein change: p.Ala365Ser; replaces alanine 365 with serine.
Molecular consequence: missense variant.
Genome position (GRCh38, 1-based): chr1:3,405,555, G>T. VCF-style: chr1-3405555-G-T. GRCh37 (hg19) VCF-style: chr1-3322119-G-T.
Other names: c.1093G>T, p.Ala365Ser (NM_199454.3); short protein forms A365S.
Identifiers: ClinVar variation 229156 (VCV000229156.17), dbSNP rs200562747, ClinGen allele CA544096.